The following is an entry in ClinVar:

ClinVar aggregate classification (germline): Uncertain significance. Review status: criteria provided, multiple submitters, no conflicts (2 of 4 stars). 2 submissions from 2 submitters: Uncertain significance (2). Last evaluated 2025-11-25.

Conditions:
TRIM32-related disorder. Also called: TRIM32-related condition.
Bardet-Biedl syndrome (BBS). Identifiers: Orphanet 110, MedGen C0752166, MONDO:0015229.

Allele frequency attached by ClinVar (database versions not stated): gnomAD 0.00001; gnomAD exomes 0.00001; TOPMed 0.00001.
gnomAD v4.1: 14 of 1,614,112 alleles (0.00087%); highest among the groups gnomAD compares: East Asian, 0.0022%; no homozygotes.

Submissions (2):

PreventionGenetics, part of Exact Sciences
Classification: Uncertain significance for TRIM32-related condition. Last evaluated: 2025-11-25. Review status: criteria provided, single submitter. Criteria: ACMG Guidelines, 2015. Collection method: clinical testing. Allele origin: germline.
Comment: The TRIM32 c.608G>A variant is predicted to result in the amino acid substitution p.Arg203Gln. To our knowledge, this variant has not been reported in the literature or in a large population database, indicating this variant is rare. At this time, the clinical significance of this variant is uncertain due to the absence of conclusive functional and genetic evidence.

Labcorp Genetics (formerly Invitae), Labcorp
Classification: Uncertain significance for Bardet-Biedl syndrome. Last evaluated: 2022-08-05. Review status: criteria provided, single submitter. Criteria: Invitae Variant Classification Sherloc (09022015). Collection method: clinical testing. Allele origin: germline.
Comment: This sequence change replaces arginine, which is basic and polar, with glutamine, which is neutral and polar, at codon 203 of the TRIM32 protein (p.Arg203Gln). This variant is not present in population databases (gnomAD no frequency). This variant has not been reported in the literature in individuals affected with TRIM32-related conditions. Algorithms developed to predict the effect of missense changes on protein structure and function (SIFT, PolyPhen-2, Align-GVGD) all suggest that this variant is likely to be disruptive. In summary, the available evidence is currently insufficient to determine the role of this variant in disease. Therefore, it has been classified as a Variant of Uncertain Significance.

NM_012210.4(TRIM32):c.608G>A (p.Arg203Gln)

Genes: ASTN2 (astrotactin 2; minus strand), TRIM32 (tripartite motif containing 32; plus strand). Cytogenetic location: 9q33.1.
Variant type: single nucleotide variant.
Coding change: c.608G>A on transcript NM_012210.4 (MANE Select); coding-DNA position 608, G replaced by A.
Protein change: p.Arg203Gln; replaces arginine 203 with glutamine.
Molecular consequence: missense variant. On other transcripts: intron variant (3).
Genome position (GRCh38, 1-based): chr9:116,698,350, G>A. VCF-style: chr9-116698350-G-A. GRCh37 (hg19) VCF-style: chr9-119460629-G-A.
Other names: c.608G>A, p.Arg203Gln (NM_001099679.2, NM_001379048.1, NM_001379049.1 and 1 more transcripts); c.2653+27421C>T (NM_014010.5); c.2794+27421C>T (NM_001365069.1); c.2806+27421C>T (NM_001365068.1); short protein forms R203Q.
Identifiers: ClinVar variation 1930004 (VCV001930004.3), dbSNP rs1210051303, ClinGen allele CA374649148.